The following is an entry in ClinVar:

NM_014611.3(MDN1):c.13601C>G (p.Thr4534Ser)

Genes: MDN1 (midasin AAA ATPase 1; minus strand), MDN1-AS1 (MDN1 antisense RNA 1; plus strand). Cytogenetic location: 6q15.
Variant type: single nucleotide variant.
Coding change: c.13601C>G on transcript NM_014611.3 (MANE Select); coding-DNA position 13601, C replaced by G.
Protein change: p.Thr4534Ser; replaces threonine 4534 with serine.
Molecular consequence: missense variant.
Genome position (GRCh38, 1-based): chr6:89,672,576, G>C on the plus strand (C>G on the coding strand, the complement: MDN1 is on the minus strand). VCF-style: chr6-89672576-G-C. GRCh37 (hg19) VCF-style: chr6-90382295-G-C.
Other names: short protein forms T4534S.
Identifiers: ClinVar variation 3050023 (VCV003050023.2), dbSNP rs79087127, ClinGen allele CA3922771.

ClinVar aggregate classification (germline): Benign (0 of 4 stars; one submission).

Conditions:
MDN1-related disorder. Also called: MDN1-related condition.

Allele frequency attached by ClinVar (database versions not stated): ESP Exome Variant Server 0.00031; gnomAD exomes 0.00055; gnomAD 0.00091; ExAC 0.00106; 1000 Genomes Project 30x 0.00297; 1000 Genomes Project 0.00319.
gnomAD v4.1: 1,001 of 1,614,148 alleles (0.062%); highest among the groups gnomAD compares: East Asian, 1.8%; 10 homozygotes.

Submission:

PreventionGenetics, part of Exact Sciences
Classification: Benign for MDN1-related condition. Last evaluated: 2019-03-26. Review status: no assertion criteria provided. Collection method: clinical testing. Allele origin: germline.
Comment: This variant is classified as benign based on ACMG/AMP sequence variant interpretation guidelines (Richards et al. 2015 PMID: 25741868, with internal and published modifications).